The following is an entry in ClinVar:

ClinVar aggregate classification (germline): Pathogenic/Likely pathogenic. Review status: criteria provided, multiple submitters, no conflicts (2 of 4 stars). 2 submissions from 2 submitters: Pathogenic (1); Likely pathogenic (1). Last evaluated 2025-02-18.

Conditions:
Duchenne muscular dystrophy (DMD). Also called: Duchenne Muscular Dystrophy (DMD); MUSCULAR DYSTROPHY, PSEUDOHYPERTROPHIC PROGRESSIVE, DUCHENNE TYPE. Identifiers: Orphanet 98896, MedGen C0013264, MONDO:0010679, OMIM 310200.
Becker muscular dystrophy, Cardiomyopathy, Duchenne muscular dystrophy, Dystrophin deficiency.

Submissions (2):

Natera, Inc.
Classification: Pathogenic for Becker muscular dystrophy, Cardiomyopathy, Duchenne muscular dystrophy, Dystrophin deficiency. Last evaluated: 2025-02-18. Review status: criteria provided, single submitter. Criteria: Natera Variant Classification Schema (03/2026). Collection method: clinical testing. Allele origin: germline.
Comment: The c.196A>T variant in DMD is a nonsense variant predicted to introduce a stop codon at amino acid 66. This variant is expected to result in nonsense mediated decay, truncation, or a dysfunctional protein product. This variant is rare in the general population with a frequency below the threshold expected for the associated phenotype(s). This variant has been observed in affected individual(s) with monoallelic occurrence (heterozygous/hemizygous) (PMID: 28859693). Given the available evidence, this variant is classified as Pathogenic.

Mendelics
Classification: Likely pathogenic for Duchenne muscular dystrophy. Last evaluated: 2019-05-28. Review status: criteria provided, single submitter. Criteria: Mendelics Assertion Criteria 2017. Collection method: clinical testing. Allele origin: unknown.

Literature cited by the submitters: PubMed 28859693 (cited by Natera, Inc.).

NM_004006.3(DMD):c.196A>T (p.Lys66Ter)

Gene: DMD (dystrophin; minus strand). Cytogenetic location: Xp21.1.
Variant type: single nucleotide variant.
Coding change: c.196A>T on transcript NM_004006.3 (MANE Select); coding-DNA position 196, A replaced by T.
Protein change: p.Lys66Ter; replaces lysine 66 with a stop codon.
Molecular consequence: nonsense. On other transcripts: 5 prime UTR variant (1).
Genome position (GRCh38, 1-based): chrX:32,844,851, T>A on the plus strand (A>T on the coding strand, the complement: DMD is on the minus strand). VCF-style: chrX-32844851-T-A. GRCh37 (hg19) VCF-style: chrX-32862968-T-A.
Other names: c.172A>T, p.Lys58Ter (NM_000109.4); c.184A>T, p.Lys62Ter (NM_004009.3); c.-174A>T (NM_004010.3); short protein forms K58*, K62*, K66*.
Identifiers: ClinVar variation 803954 (VCV000803954.3), dbSNP rs1603447072, ClinGen allele CA412674774.